The following is an entry in ClinVar:

NM_001164508.2(NEB):c.295-19T>C

Gene: NEB (nebulin; minus strand). Cytogenetic location: 2q23.3.
Variant type: single nucleotide variant.
Coding change: c.295-19T>C on transcript NM_001164508.2 (MANE Select); 19 bases into the intron before coding-DNA position 295, T replaced by C.
Molecular consequence: intron variant.
Genome position (GRCh38, 1-based): chr2:151,725,579, A>G on the plus strand (T>C on the coding strand, the complement: NEB is on the minus strand). VCF-style: chr2-151725579-A-G. GRCh37 (hg19) VCF-style: chr2-152582093-A-G.
Other names: c.295-19T>C (NM_004543.5, NM_001164507.2, NM_001271208.2).
Identifiers: ClinVar variation 512513 (VCV000512513.4), dbSNP rs1012626849, ClinGen allele CA57651797.

ClinVar aggregate classification (germline): Likely benign. Review status: criteria provided, multiple submitters, no conflicts (2 of 4 stars). 2 submissions from 2 submitters: Likely benign (2). Last evaluated 2023-07-09.

Conditions:
Nemaline myopathy 2 (NEM2). Also called: Nemaline myopathy 2, autosomal recessive. Identifiers: MedGen C1850569, MONDO:0009725, OMIM 256030.

Allele frequency attached by ClinVar (database versions not stated): gnomAD exomes below 0.00001; TOPMed below 0.00001; gnomAD 0.00001.
gnomAD v4.1: 8 of 1,596,946 alleles (0.0005%); highest among the groups gnomAD compares: South Asian, 0.0011%; no homozygotes.

Submissions (2):

Labcorp Genetics (formerly Invitae), Labcorp
Classification: Likely benign for Nemaline myopathy 2. Last evaluated: 2023-07-09. Review status: criteria provided, single submitter. Criteria: Invitae Variant Classification Sherloc (09022015). Collection method: clinical testing. Allele origin: germline.

GeneDx
Classification: Likely benign. Last evaluated: 2017-11-02. Review status: criteria provided, single submitter. Criteria: GeneDx Variant Classification (06012015). Collection method: clinical testing. Allele origin: germline. Affected: yes.
Comment: This variant is considered likely benign or benign based on one or more of the following criteria: it is a conservative change, it occurs at a poorly conserved position in the protein, it is predicted to be benign by multiple in silico algorithms, and/or has population frequency not consistent with disease.